The following is an entry in ClinVar:

ClinVar aggregate classification (germline): Uncertain significance. Review status: criteria provided, multiple submitters, no conflicts (2 of 4 stars). 2 submissions from 2 submitters: Uncertain significance (2). Last evaluated 2025-06-12.

Allele frequency attached by ClinVar (database versions not stated): gnomAD exomes 0.00001; ExAC 0.00002; gnomAD 0.00015; ESP Exome Variant Server 0.00017; TOPMed 0.00020.
gnomAD v4.1: 42 of 1,614,096 alleles (0.0026%); highest among the groups gnomAD compares: African/African-American, 0.048%; no homozygotes.

Submissions (2):

Labcorp Genetics (formerly Invitae), Labcorp
Classification: Uncertain significance. Last evaluated: 2025-06-12. Review status: criteria provided, single submitter. Criteria: Invitae Variant Classification Sherloc (09022015). Collection method: clinical testing. Allele origin: germline.
Comment: This sequence change replaces asparagine, which is neutral and polar, with serine, which is neutral and polar, at codon 401 of the NPAT protein (p.Asn401Ser). This variant is present in population databases (rs369516832, gnomAD 0.03%). This variant has not been reported in the literature in individuals affected with NPAT-related conditions. ClinVar contains an entry for this variant (Variation ID: 1747819). An algorithm developed to predict the effect of missense changes on protein structure and function outputs the following: PolyPhen-2: "Benign". The serine amino acid residue is found in multiple mammalian species, which suggests that this missense change does not adversely affect protein function. In summary, the available evidence is currently insufficient to determine the role of this variant in disease. Therefore, it has been classified as a Variant of Uncertain Significance.

Ambry Genetics
Classification: Uncertain significance. Last evaluated: 2025-04-13. Review status: criteria provided, single submitter. Criteria: Ambry Variant Classification Scheme 2023. Collection method: clinical testing. Allele origin: germline.

NM_002519.3(NPAT):c.1202A>G (p.Asn401Ser)

Gene: NPAT (nuclear protein, coactivator of histone transcription; minus strand). Cytogenetic location: 11q22.3.
Variant type: single nucleotide variant.
Coding change: c.1202A>G on transcript NM_002519.3 (MANE Select); coding-DNA position 1202, A replaced by G.
Protein change: p.Asn401Ser; replaces asparagine 401 with serine.
Molecular consequence: missense variant.
Genome position (GRCh38, 1-based): chr11:108,173,782, T>C on the plus strand (A>G on the coding strand, the complement: NPAT is on the minus strand). VCF-style: chr11-108173782-T-C. GRCh37 (hg19) VCF-style: chr11-108044509-T-C.
Other names: c.1202A>G, p.Asn401Ser (NM_001321307.1); short protein forms N401S.
Identifiers: ClinVar variation 1747819 (VCV001747819.8), dbSNP rs369516832, ClinGen allele CA6264045.
Genomic context (GRCh38, chr11:108,173,782, plus strand): 5'-GTACTTATTTGGGAAAAATTTTCCTGGTCTTCTTGTCTAAGCACATCATGGTTGTTGCTA[T>C]TCTTCAAAGCATTTAATGGGTCATCATTCTGATAGGATGTACAAAAAGCGGGCTGACCAG-3'
Protein context (NP_002510.2, residues 391-411): QNDDPLNALK[Asn401Ser]SNNHDVLRQE